The following is an entry in ClinVar:

ClinVar aggregate classification (germline): Likely pathogenic (1 of 4 stars; one submission).

Submission:

GeneDx
Classification: Likely pathogenic. Last evaluated: 2021-04-19. Review status: criteria provided, single submitter. Criteria: GeneDx Variant Classification Process June 2021. Collection method: clinical testing. Allele origin: germline. Affected: yes.
Comment: Has not been previously published as pathogenic or benign to our knowledge; Not observed in large population cohorts (Lek et al., 2016); In silico analysis supports that this missense variant has a deleterious effect on protein structure/function; Affects a cysteine residue within a TGF-binding protein domain (aka TB domain or 8-Cysteine domain) and is expected to disrupt disulfide bonding within this domain; other missense substitutions that affect cysteine residues within this TGF-binding protein domain have been reported in association with various FBN1-related phenotypes, including Marfan syndrome (Stenson et al., 2014).

NM_000138.5(FBN1):c.6251G>T (p.Cys2084Phe)

Gene: FBN1 (fibrillin 1; minus strand). Cytogenetic location: 15q21.1.
Variant type: single nucleotide variant.
Coding change: c.6251G>T on transcript NM_000138.5 (MANE Select); coding-DNA position 6251, G replaced by T.
Protein change: p.Cys2084Phe; replaces cysteine 2084 with phenylalanine.
Molecular consequence: missense variant.
Genome position (GRCh38, 1-based): chr15:48,437,830, C>A on the plus strand (G>T on the coding strand, the complement: FBN1 is on the minus strand). VCF-style: chr15-48437830-C-A. GRCh37 (hg19) VCF-style: chr15-48730027-C-A.
Other names: p.C2084F:TGC>TTC; short protein forms C2084F.
Identifiers: ClinVar variation 200078 (VCV000200078.3), dbSNP rs794728245, ClinGen allele CA016301.